The following is an entry in ClinVar:

ClinVar aggregate classification (germline): Uncertain significance (1 of 4 stars; one submission).

Conditions:
GATA4-related disorder. Also called: GATA4-related condition. Identifiers: MedGen CN860321.

Submission:

PreventionGenetics, part of Exact Sciences
Classification: Uncertain significance for GATA4-related condition. Last evaluated: 2026-01-26. Review status: criteria provided, single submitter. Criteria: ACMG Guidelines, 2015. Collection method: clinical testing. Allele origin: germline.
Comment: The GATA4 c.719C>A variant is predicted to result in the amino acid substitution p.Ala240Asp. To our knowledge, this variant has not been reported in the literature or in a large population database (gnomAD), indicating this variant is rare. At this time, the clinical significance of this variant is uncertain due to the absence of conclusive functional and genetic evidence.

NM_001308093.3(GATA4):c.722C>A (p.Ala241Asp)

Gene: GATA4 (GATA binding protein 4). Cytogenetic location: 8p23.1.
Variant type: single nucleotide variant.
Coding change: c.722C>A on transcript NM_001308093.3 (MANE Select); coding-DNA position 722, C replaced by A.
Protein change: p.Ala241Asp; replaces alanine 241 with aspartic acid.
Molecular consequence: missense variant.
Genome position (GRCh38, 1-based): chr8:11,749,021, C>A. VCF-style: chr8-11749021-C-A. GRCh37 (hg19) VCF-style: chr8-11606530-C-A.
Other names: c.101C>A, p.Ala34Asp (NM_001308094.2, NM_001374273.1, NM_001374274.1); c.719C>A, p.Ala240Asp (NM_002052.5); short protein forms A240D, A241D, A34D.
Identifiers: ClinVar variation 4995297 (VCV004995297.1).